The following is an entry in ClinVar:

NM_003355.3(UCP2):c.404A>G (p.Gln135Arg)

Gene: UCP2 (uncoupling protein 2; minus strand). Cytogenetic location: 11q13.4.
Variant type: single nucleotide variant.
Coding change: c.404A>G on transcript NM_003355.3 (MANE Select); coding-DNA position 404, A replaced by G.
Protein change: p.Gln135Arg; replaces glutamine 135 with arginine.
Molecular consequence: missense variant. On other transcripts: intron variant (1).
Genome position (GRCh38, 1-based): chr11:73,976,951, T>C on the plus strand (A>G on the coding strand, the complement: UCP2 is on the minus strand). VCF-style: chr11-73976951-T-C. GRCh37 (hg19) VCF-style: chr11-73687996-T-C.
Other names: c.404A>G (NM_003355.2); c.404A>G, p.Gln135Arg (NM_001381943.1, NM_001381944.1, NM_001381945.1 and 3 more transcripts); c.338-209A>G (NM_001381950.1); short protein forms Q135R.
Identifiers: ClinVar variation 1484464 (VCV001484464.7), dbSNP rs746979739, ClinGen allele CA6181145.

ClinVar aggregate classification (germline): Uncertain significance. Review status: criteria provided, multiple submitters, no conflicts (2 of 4 stars). 2 submissions from 2 submitters: Uncertain significance (2). Last evaluated 2022-01-06.

Allele frequency attached by ClinVar (database versions not stated): gnomAD exomes 0.00001 and 0.00005; gnomAD 0.00002; ExAC 0.00004; TOPMed 0.00004.
gnomAD v4.1: 19 of 1,611,306 alleles (0.0012%); highest among the groups gnomAD compares: Admixed American, 0.022%; no homozygotes.

Submissions (2):

Labcorp Genetics (formerly Invitae), Labcorp
Classification: Uncertain significance. Last evaluated: 2022-01-06. Review status: criteria provided, single submitter. Criteria: Invitae Variant Classification Sherloc (09022015). Collection method: clinical testing. Allele origin: germline.
Comment: In summary, the available evidence is currently insufficient to determine the role of this variant in disease. Therefore, it has been classified as a Variant of Uncertain Significance. Algorithms developed to predict the effect of missense changes on protein structure and function are either unavailable or do not agree on the potential impact of this missense change (SIFT: "Tolerated"; PolyPhen-2: "Probably Damaging"; Align-GVGD: "Class C0"). This variant has not been reported in the literature in individuals affected with UCP2-related conditions. This variant is present in population databases (rs746979739, gnomAD 0.02%). This sequence change replaces glutamine, which is neutral and polar, with arginine, which is basic and polar, at codon 135 of the UCP2 protein (p.Gln135Arg).

Ambry Genetics
Classification: Uncertain significance. Last evaluated: 2021-12-20. Review status: criteria provided, single submitter. Criteria: Ambry Variant Classification Scheme 2023. Collection method: clinical testing. Allele origin: germline.